The following is an entry in ClinVar:

ClinVar aggregate classification (germline): Likely pathogenic (1 of 4 stars; one submission).

Conditions:
Global developmental delay with speech and behavioral abnormalities. Identifiers: MedGen C5543226, MONDO:0030995, OMIM 619243.

Submission:

Institute of Immunology and Genetics Kaiserslautern
Classification: Likely pathogenic for Global developmental delay with speech and behavioral abnormalities. Last evaluated: 2025-09-30. Review status: criteria provided, single submitter. Criteria: ACMG Guidelines, 2015. Collection method: clinical testing. Allele origin: germline. Affected: yes.
Comment: ACMG Criteria: PVS1, PM2; Variant was found in heterozygous state.

NM_001162501.2(TNRC6B):c.1801del (p.Gln601fs)

Gene: TNRC6B (trinucleotide repeat containing adaptor 6B; plus strand). Cytogenetic location: 22q13.1.
Variant type: Deletion.
Coding change: c.1801del on transcript NM_001162501.2 (MANE Select); coding-DNA position 1801, one base deleted (C; older notation c.1801delC).
Protein change: p.Gln601fs; shifts the reading frame from glutamine 601.
Molecular consequence: frameshift variant. On other transcripts: intron variant (1).
Genome position (GRCh38, 1-based): chr22:40,266,031, C deleted. VCF-style (leftmost placement, unchanged base first): chr22-40266030-TC-T. GRCh37 (hg19) VCF-style: chr22-40662034-TC-T.
Other names: c.1801del, p.Gln601fs (NM_015088.3); c.565+3858del (NM_001024843.2); short protein forms Q601fs.
Identifiers: ClinVar variation 4851401 (VCV004851401.1).